The following is an entry in ClinVar:

ClinVar aggregate classification (germline): Pathogenic (1 of 4 stars; one submission).

Conditions:
Fabry disease. Also called: ALPHA-GALACTOSIDASE A DEFICIENCY; ANDERSON-FABRY DISEASE; CERAMIDE TRIHEXOSIDASE DEFICIENCY; GLA DEFICIENCY; HEREDITARY DYSTOPIC LIPIDOSIS; Angiokeratoma corporis diffusum. Identifiers: Orphanet 324, MedGen C0002986, MONDO:0010526, OMIM 301500, HP:0001071. Disease mechanism: Fabry disease is due to inactivating mutations in the X-linked GLA gene resulting in deficiency of the enzyme Alpha Galactosidase-A., loss of function.

Submission:

Genomenon, Inc
Classification: Pathogenic for Fabry disease. Last evaluated: 2026-09-08. Review status: criteria provided, single submitter. Criteria: Genomenon Sequence Variant Interpretation Standards - Updated. Collection method: curation. Allele origin: germline. Affected: yes.
Comment: GLA p.Ser102Ter (c.305C>G) is a nonsense variant that introduces a premature stop codon at amino acid position 102 and is predicted to result in a truncated or absent protein product. This variant has been observed in at least one proband with clinical features consistent with Fabry disease (PMID:18205205). At least one functional study has demonstrated a substantial alteration in protein function relative to the wild-type (PMID:18205205). It is absent or not present at a significant frequency in gnomAD. In conclusion, we classify GLA p.Ser102Ter (c.305C>G) as a pathogenic variant.

Literature cited by the submitters: PubMed 18205205.

NM_000169.3(GLA):c.305C>G (p.Ser102Ter)

Genes: GLA (galactosidase alpha; minus strand), RPL36A-HNRNPH2 (RPL36A-HNRNPH2 readthrough; plus strand). Cytogenetic location: Xq22.1.
Variant type: single nucleotide variant.
Coding change: c.305C>G on transcript NM_000169.3 (MANE Select); coding-DNA position 305, C replaced by G.
Protein change: p.Ser102Ter; replaces serine 102 with a stop codon.
Molecular consequence: nonsense. On other transcripts: non-coding transcript variant (3), intron variant (2).
Genome position (GRCh38, 1-based): chrX:101,403,875, G>C on the plus strand (C>G on the coding strand, the complement: GLA is on the minus strand). VCF-style: chrX-101403875-G-C. GRCh37 (hg19) VCF-style: chrX-100658863-G-C.
Other names: c.428C>G, p.Ser143Ter (NM_001406747.1, NM_001406749.1); c.305C>G, p.Ser102Ter (NM_001406748.1); c.301-8061G>C (NM_001199973.2); c.178-8061G>C (NM_001199974.2); short protein forms S102*, S143*.
Identifiers: ClinVar variation 4087151 (VCV004087151.2).